The following is an entry in ClinVar:

NM_031433.4(MFRP):c.898+4C>T

Genes: C1QTNF5 (C1q and TNF related 5; minus strand), MFRP (membrane frizzled-related protein; minus strand). Cytogenetic location: 11q23.3.
Variant type: single nucleotide variant.
Coding change: c.898+4C>T on transcript NM_031433.4 (MANE Select); 4 bases into the intron after coding-DNA position 898, C replaced by T.
Molecular consequence: intron variant.
Genome position (GRCh38, 1-based): chr11:119,344,628, G>A on the plus strand (C>T on the coding strand, the complement: MFRP is on the minus strand). VCF-style: chr11-119344628-G-A. GRCh37 (hg19) VCF-style: chr11-119215338-G-A.
Other names: c.-1739+4C>T (NM_015645.5).
Identifiers: ClinVar variation 198597 (VCV000198597.12), dbSNP rs538868301, ClinGen allele CA017159.

ClinVar aggregate classification (germline): Conflicting classifications of pathogenicity. Review status: criteria provided, conflicting classifications (1 of 4 stars). 3 submissions from 3 submitters: Uncertain significance (2); Likely benign (1). Last evaluated 2024-09-05.

Conditions:
Isolated microphthalmia 5. Also called: Posterior Microphthalmia with Retinitis Pigmentosa, Foveoschisis, and Optic Disc Drusen. Identifiers: Orphanet 251279, MedGen C1970236, MONDO:0012605, OMIM 611040.

Allele frequency attached by ClinVar (database versions not stated): gnomAD 0.00002 and 0.00004; ExAC 0.00012; gnomAD exomes 0.00012 and 0.00007; 1000 Genomes Project 30x 0.00031; TOPMed 0.00003; 1000 Genomes Project 0.00040.
gnomAD v4.1: 111 of 1,614,024 alleles (0.0069%); highest among the groups gnomAD compares: South Asian, 0.036%; no homozygotes.

Submissions (3):

Blueprint Genetics
Classification: Likely benign. Last evaluated: 2024-09-05. Review status: criteria provided, single submitter. Criteria: ACMG Guidelines, 2015. Collection method: clinical testing. Allele origin: germline.

Labcorp Genetics (formerly Invitae), Labcorp
Classification: Uncertain significance for Isolated microphthalmia 5. Last evaluated: 2022-10-17. Review status: criteria provided, single submitter. Criteria: Invitae Variant Classification Sherloc (09022015). Collection method: clinical testing. Allele origin: germline.
Comment: This sequence change falls in intron 7 of the MFRP gene. It does not directly change the encoded amino acid sequence of the MFRP protein. It affects a nucleotide within the consensus splice site. This variant is present in population databases (rs538868301, gnomAD 0.05%). This variant has not been reported in the literature in individuals affected with MFRP-related conditions. ClinVar contains an entry for this variant (Variation ID: 198597). Variants that disrupt the consensus splice site are a relatively common cause of aberrant splicing (PMID: 17576681, 9536098). Algorithms developed to predict the effect of sequence changes on RNA splicing suggest that this variant is not likely to affect RNA splicing. In summary, the available evidence is currently insufficient to determine the role of this variant in disease. Therefore, it has been classified as a Variant of Uncertain Significance.

Eurofins Ntd Llc (ga)
Classification: Uncertain significance. Last evaluated: 2014-11-07. Review status: criteria provided, single submitter. Criteria: EGL Classification Definitions 2015. Collection method: clinical testing. Allele origin: germline. Observed: 1 variant allele, 1 heterozygote.

Literature cited by the submitters: PubMed 17576681 (cited by Labcorp Genetics (formerly Invitae), Labcorp); PubMed 9536098 (cited by Labcorp Genetics (formerly Invitae), Labcorp).